The following is an entry in ClinVar:

NC_000006.11:g.(162475207_162622162)_(162683798_162864341)dup

Gene: PRKN (parkin RBR E3 ubiquitin protein ligase; minus strand). Cytogenetic location: 6q26.
Variant type: Duplication.
Identifiers: ClinVar variation 4853717 (VCV004853717.1).

ClinVar aggregate classification (germline): Uncertain significance (1 of 4 stars; one submission).

Submission:

Women's Health and Genetics/Laboratory Corporation of America, LabCorp
Classification: Uncertain significance. Last evaluated: 2026-05-29. Review status: criteria provided, single submitter. Criteria: LabCorp Variant Classification Summary - May 2015. Collection method: clinical testing. Allele origin: germline.
Comment: Variant summary: The variant involves the duplication of exons 3-4 in the PRKN gene. A presumed nomenclature of c.(171+1_172-1)_(534+1_535-1)dup has been designated for the purposes of this classification. It is assumed to be a tandem duplication in direct orientation (PMIDs: 25640679, 30054569). This Copy Number Variant (CNV) is predicted to result in an in-frame duplication within this gene. Multiple similar duplications have been reported in controls, e.g. a duplication was found at a frequency of 0.00017 in 123606 control chromosomes in the gnomAD database (Structural Variants v4.1 dataset), including 1 perceived homozygote. In addition, similar duplications have been reported in the UK Biobank (Zhu_2022), and in the DGV (Database of Genomic Variants) Gold Standard dataset. The reported frequencies are not significantly higher than estimated for disease-causing variants in PRKN, allowing no conclusion about variant significance. The duplication of exons 3-4 in the PRKN gene has been also observed in multiple individuals affected with early-onset Parkinson's disease (e.g. Periquet_2003, Lesage_2020, Liu_2022), however, only one of these patients had a (presumed) biallelic genotype (Liu_2022). These data indicate that the variant may be associated with disease. To our knowledge, no experimental evidence demonstrating an impact on protein function has been reported. The following publications have been ascertained in the context of this evaluation (PMID: 12764050, 33045815, 36150414, 35640906, 39699073). ClinVar contains an entry for this variant (Variation ID: 651253). Based on the evidence outlined above, the variant was classified as VUS-possibly pathogenic.

Literature cited by the submitters: PubMed 33045815; PubMed 12764050; PubMed 35640906; PubMed 39699073; PubMed 36150414.